The following is an entry in ClinVar:

ClinVar aggregate classification (germline): Likely benign. Review status: criteria provided, multiple submitters, no conflicts (2 of 4 stars). 2 submissions from 2 submitters: Likely benign (2). Last evaluated 2026-03-01.

Allele frequency attached by ClinVar (database versions not stated): gnomAD 0.00004 and 0.00005; TOPMed 0.00004; ExAC 0.00005; gnomAD exomes 0.00009.
gnomAD v4.1: 155 of 1,614,004 alleles (0.0096%); highest among the groups gnomAD compares: Middle Eastern, 0.033%; no homozygotes.

Submissions (2):

CeGaT Center for Human Genetics Tuebingen
Classification: Likely benign. Last evaluated: 2026-03-01. Review status: criteria provided, single submitter. Criteria: CeGaT Center For Human Genetics Tuebingen Variant Classification Criteria Version 2. Collection method: clinical testing. Allele origin: germline. Affected: yes. Observed: 1 variant allele.
Comment: NDUFA12: BP4, BP7

Labcorp Genetics (formerly Invitae), Labcorp
Classification: Likely benign. Last evaluated: 2022-11-22. Review status: criteria provided, single submitter. Criteria: Invitae Variant Classification Sherloc (09022015). Collection method: clinical testing. Allele origin: germline.

NM_018838.5(NDUFA12):c.27C>T (p.Arg9=)

Gene: NDUFA12 (NADH:ubiquinone oxidoreductase subunit A12; minus strand). Cytogenetic location: 12q22.
Variant type: single nucleotide variant.
Coding change: c.27C>T on transcript NM_018838.5 (MANE Select); coding-DNA position 27, C replaced by T.
Protein change: p.Arg9=; no amino-acid change (arginine 9 retained).
Molecular consequence: synonymous variant.
Genome position (GRCh38, 1-based): chr12:95,003,654, G>A on the plus strand (C>T on the coding strand, the complement: NDUFA12 is on the minus strand). VCF-style: chr12-95003654-G-A. GRCh37 (hg19) VCF-style: chr12-95397430-G-A.
Other names: c.27C>T, p.Arg9= (NM_001258338.2).
Identifiers: ClinVar variation 1429238 (VCV001429238.10), dbSNP rs11554615, ClinGen allele CA6722665.